The following is an entry in ClinVar:

ClinVar aggregate classification (germline): Uncertain significance (1 of 4 stars; one submission).

gnomAD v4.1: 1 of 1,614,230 alleles (0.000062%); highest among the groups gnomAD compares: East Asian, 0.0022%; no homozygotes.

Submission:

Labcorp Genetics (formerly Invitae), Labcorp
Classification: Uncertain significance. Last evaluated: 2024-06-28. Review status: criteria provided, single submitter. Criteria: Invitae Variant Classification Sherloc (09022015). Collection method: clinical testing. Allele origin: germline.
Comment: This sequence change replaces glycine, which is neutral and non-polar, with serine, which is neutral and polar, at codon 2452 of the MTOR protein (p.Gly2452Ser). This variant is present in population databases (no rsID available, gnomAD 0.005%). This variant has not been reported in the literature in individuals affected with MTOR-related conditions. Algorithms developed to predict the effect of missense changes on protein structure and function output the following: SIFT: "Not Available"; PolyPhen-2: "Benign"; Align-GVGD: "Not Available". The serine amino acid residue is found in multiple mammalian species, which suggests that this missense change does not adversely affect protein function. In summary, the available evidence is currently insufficient to determine the role of this variant in disease. Therefore, it has been classified as a Variant of Uncertain Significance.

NM_004958.4(MTOR):c.7354G>A (p.Gly2452Ser)

Gene: MTOR (mechanistic target of rapamycin kinase; minus strand). Cytogenetic location: 1p36.22.
Variant type: single nucleotide variant.
Coding change: c.7354G>A on transcript NM_004958.4 (MANE Select); coding-DNA position 7354, G replaced by A.
Protein change: p.Gly2452Ser; replaces glycine 2452 with serine.
Molecular consequence: missense variant.
Genome position (GRCh38, 1-based): chr1:11,112,864, C>T on the plus strand (G>A on the coding strand, the complement: MTOR is on the minus strand). VCF-style: chr1-11112864-C-T. GRCh37 (hg19) VCF-style: chr1-11172921-C-T.
Other names: c.7354G>A, p.Gly2452Ser (NM_001386500.1); c.6106G>A, p.Gly2036Ser (NM_001386501.1); short protein forms G2452S, G2036S.
Identifiers: ClinVar variation 3696318 (VCV003696318.2).